The following is an entry in ClinVar:

ClinVar aggregate classification (germline): Conflicting classifications of pathogenicity. Review status: criteria provided, conflicting classifications (1 of 4 stars). 3 submissions from 3 submitters: Uncertain significance (1); Likely benign (1). 1 of the submissions does not count toward it. Last evaluated 2025-02-23.

Conditions:
Inborn genetic diseases. Identifiers: MedGen C0950123, MeSH D030342.
Menkes kinky-hair syndrome (MNK). Also called: Menkes Disease; Copper transport disease; Classic Menkes Disease. Identifiers: Orphanet 565, MedGen C0022716, MONDO:0010651, OMIM 309400.
Cutis laxa, X-linked (OHS). Also called: EDS IX; Occipital horn syndrome. Identifiers: Orphanet 198, MedGen C0268353, MONDO:0010572, OMIM 304150.
X-linked distal spinal muscular atrophy type 3. Also called: ATP7A-Related Distal Motor Neuropathy; NEURONOPATHY, DISTAL HEREDITARY MOTOR, X-LINKED; NEUROPATHY, DISTAL HEREDITARY MOTOR, X-LINKED; SPINAL MUSCULAR ATROPHY, DISTAL, X-LINKED RECESSIVE. Identifiers: Orphanet 139557, MedGen C1845359, MONDO:0010338, OMIM 300489.

Submissions (3):

Ambry Genetics
Classification: Uncertain significance for Inborn genetic diseases. Last evaluated: 2025-02-23. Review status: criteria provided, single submitter. Criteria: Ambry Variant Classification Scheme 2023. Collection method: clinical testing. Allele origin: germline.

3billion
Classification: Likely benign for Menkes kinky-hair syndrome; X-linked distal spinal muscular atrophy type 3; Cutis laxa, X-linked. Last evaluated: 2024-09-20. Review status: criteria provided, single submitter. Criteria: ACMG Guidelines, 2015. Collection method: clinical testing. Allele origin: germline. Affected: no.
Comment: The hemizygous variant was found in patients diagnosed with another variant in a different gene, with no symptoms related to the gene containing the hemizygous variant.

Natera, Inc.
Classification: Uncertain significance for Menkes kinky hair syndrome. Last evaluated: 2020-09-30. Review status: no assertion criteria provided. Collection method: clinical testing. Allele origin: germline. Not counted in ClinVar's aggregate classification.

NM_000052.7(ATP7A):c.1835T>G (p.Ile612Ser)

Gene: ATP7A (ATPase copper transporting alpha; plus strand). Cytogenetic location: Xq21.1.
Variant type: single nucleotide variant.
Coding change: c.1835T>G on transcript NM_000052.7 (MANE Select); coding-DNA position 1835, T replaced by G.
Protein change: p.Ile612Ser; replaces isoleucine 612 with serine.
Molecular consequence: missense variant.
Genome position (GRCh38, 1-based): chrX:78,009,229, T>G. VCF-style: chrX-78009229-T-G. GRCh37 (hg19) VCF-style: chrX-77264726-T-G.
Other names: c.1835T>G, p.Ile612Ser (NM_001282224.2); short protein forms I612S.
Identifiers: ClinVar variation 589116 (VCV000589116.8), dbSNP rs1569549840, ClinGen allele CA413597399.